The following is an entry in ClinVar:

NM_000465.4(BARD1):c.1380T>A (p.Ala460=)

Gene: BARD1 (BRCA1 associated RING domain 1; minus strand). Cytogenetic location: 2q35.
Variant type: single nucleotide variant.
Coding change: c.1380T>A on transcript NM_000465.4 (MANE Select); coding-DNA position 1380, T replaced by A.
Protein change: p.Ala460=; no amino-acid change (alanine 460 retained).
Molecular consequence: synonymous variant. On other transcripts: non-coding transcript variant (3), intron variant (3).
Genome position (GRCh38, 1-based): chr2:214,769,247, A>T on the plus strand (T>A on the coding strand, the complement: BARD1 is on the minus strand). VCF-style: chr2-214769247-A-T. GRCh37 (hg19) VCF-style: chr2-215633971-A-T.
Other names: c.1323T>A, p.Ala441= (NM_001282543.2); c.159-16692T>A (NM_001282548.2); c.216-16692T>A (NM_001282545.2); c.364+23050T>A (NM_001282549.2).
Identifiers: ClinVar variation 232094 (VCV000232094.18), dbSNP rs778684915, ClinGen allele CA2090275.

ClinVar aggregate classification (germline): Benign/Likely benign. Review status: criteria provided, multiple submitters, no conflicts (2 of 4 stars). 4 submissions from 4 submitters: Benign (1); Likely benign (3). Last evaluated 2025-11-09.

Conditions:
Hereditary cancer-predisposing syndrome. Also called: Neoplastic Syndromes, Hereditary; Tumor predisposition; Hereditary Cancer Syndrome; Hereditary neoplastic syndrome. Identifiers: Orphanet 140162, MedGen C0027672, MeSH D009386, MONDO:0015356.
Familial cancer of breast. Also called: BREAST CANCER, FAMILIAL; hereditary breast carcinoma; Hereditary breast cancer. Identifiers: Orphanet 227535, MedGen C0346153, MONDO:0016419, OMIM 114480. Disease mechanism: loss of function.

Allele frequency attached by ClinVar (database versions not stated): gnomAD exomes below 0.00001; TOPMed below 0.00001; ExAC 0.00001; gnomAD 0.00001.
gnomAD v4.1: 7 of 1,612,714 alleles (0.00043%); highest among the groups gnomAD compares: Admixed American, 0.0017%; no homozygotes.

Submissions (4):

Labcorp Genetics (formerly Invitae), Labcorp
Classification: Likely benign for Familial cancer of breast. Last evaluated: 2025-11-09. Review status: criteria provided, single submitter. Criteria: Invitae Variant Classification Sherloc (09022015). Collection method: clinical testing. Allele origin: germline.

Myriad Genetics, Inc.
Classification: Benign for Familial cancer of breast. Last evaluated: 2024-07-25. Review status: criteria provided, single submitter. Criteria: Myriad Autosomal Dominant, Autosomal Recessive and X-Linked Classification Criteria (2023). Collection method: clinical testing. Allele origin: unknown.
Comment: This variant is considered benign. This variant is a silent/synonymous amino acid change and it is not expected to impact splicing.

Color Diagnostics, LLC DBA Color Health
Classification: Likely benign for Hereditary cancer-predisposing syndrome. Last evaluated: 2018-06-11. Review status: criteria provided, single submitter. Criteria: ACMG Guidelines, 2015. Collection method: clinical testing. Allele origin: germline.

Ambry Genetics
Classification: Likely benign for Hereditary cancer-predisposing syndrome. Last evaluated: 2015-06-02. Review status: criteria provided, single submitter. Criteria: Ambry Variant Classification Scheme 2023. Collection method: clinical testing. Allele origin: germline.